The following is an entry in ClinVar:

ClinVar aggregate classification (germline): Pathogenic (1 of 4 stars; one submission).

Conditions:
Intellectual developmental disorder, X-linked 99, syndromic, female-restricted. Also called: Intellectual disability, X-linked 99, syndromic, female-restricted. Identifiers: MedGen C4225416, MONDO:0010502, OMIM 300968.

Submission:

Laboratory of Medical Genetics, National & Kapodistrian University of Athens
Classification: Pathogenic for Intellectual developmental disorder, X-linked 99, syndromic, female-restricted. Last evaluated: 2021-10-01. Review status: criteria provided, single submitter. Criteria: ACMG Guidelines, 2015. Collection method: clinical testing. Allele origin: unknown. Affected: yes.
Comment: PVS1, PM2, PP3

Literature cited by the submitters: PubMed 34008892.

NM_001039591.3(USP9X):c.52C>T (p.Gln18Ter)

Gene: USP9X (ubiquitin specific peptidase 9 X-linked; plus strand). Cytogenetic location: Xp11.4.
Variant type: single nucleotide variant.
Coding change: c.52C>T on transcript NM_001039591.3 (MANE Select); coding-DNA position 52, C replaced by T.
Protein change: p.Gln18Ter; replaces glutamine 18 with a stop codon.
Molecular consequence: nonsense.
Genome position (GRCh38, 1-based): chrX:41,123,680, C>T. VCF-style: chrX-41123680-C-T. GRCh37 (hg19) VCF-style: chrX-40982933-C-T.
Other names: c.52C>T, p.Gln18Ter (NM_001039590.3); short protein forms Q18*.
Identifiers: ClinVar variation 1299503 (VCV001299503.1), dbSNP rs2062209732, ClinGen allele CA412758685.